The following is an entry in ClinVar:

ClinVar aggregate classification (germline): Uncertain significance (1 of 4 stars; one submission).

Conditions:
Hereditary cancer-predisposing syndrome. Also called: Neoplastic Syndromes, Hereditary; Tumor predisposition; Hereditary neoplastic syndrome; Hereditary Cancer Syndrome. Identifiers: Orphanet 140162, MedGen C0027672, MeSH D009386, MONDO:0015356.

Submission:

Ambry Genetics
Classification: Uncertain significance for Hereditary cancer-predisposing syndrome. Last evaluated: 2026-07-29. Review status: criteria provided, single submitter. Criteria: Ambry Variant Classification Scheme 2023. Collection method: clinical testing. Allele origin: germline.
Comment: The p.D148Y variant (also known as c.442G>T), located in coding exon 5 of the BMPR1A gene, results from a G to T substitution at nucleotide position 442. The aspartic acid at codon 148 is replaced by tyrosine, an amino acid with highly dissimilar properties. This amino acid position is conserved. In addition, the in silico prediction for this alteration is inconclusive. Based on the available evidence, the clinical significance of this variant remains unclear.

NM_004329.3(BMPR1A):c.442G>T (p.Asp148Tyr)

Gene: BMPR1A (bone morphogenetic protein receptor type 1A; plus strand). Cytogenetic location: 10q23.2.
Variant type: single nucleotide variant.
Coding change: c.442G>T on transcript NM_004329.3 (MANE Select); coding-DNA position 442, G replaced by T.
Protein change: p.Asp148Tyr; replaces aspartic acid 148 with tyrosine.
Molecular consequence: missense variant. On other transcripts: non-coding transcript variant (3), intron variant (1).
Genome position (GRCh38, 1-based): chr10:86,900,038, G>T. VCF-style: chr10-86900038-G-T. GRCh37 (hg19) VCF-style: chr10-88659795-G-T.
Other names: c.442G>T, p.Asp148Tyr (NM_001406565.1, NM_001406566.1, NM_001406567.1 and 22 more transcripts); c.358G>T, p.Asp120Tyr (NM_001406584.1, NM_001406585.1, NM_001406586.1 and 2 more transcripts); c.333+7809G>T (NM_001406589.1); short protein forms D120Y, D148Y.
Identifiers: ClinVar variation 5033037 (VCV005033037.1).